The following is an entry in ClinVar:

NC_000023.11:g.77910214G>C

Genes: ATP7A (ATPase copper transporting alpha; plus strand), COX7B (cytochrome c oxidase subunit 7B; plus strand). Cytogenetic location: Xq21.1.
Variant type: single nucleotide variant.
Genome position: GRCh38 VCF-style: chrX-77910214-G-C. GRCh37 (hg19) VCF-style: chrX-77165711-G-C.
Identifiers: ClinVar variation 3030947 (VCV003030947.17), dbSNP rs782332542, ClinGen allele CA331581436.

ClinVar aggregate classification (germline): Likely benign. Review status: criteria provided, single submitter (1 of 4 stars). 2 submissions from 2 submitters: Likely benign (1). 1 of the submissions does not count toward it. Last evaluated 2025-07-01.

Conditions:
ATP7A-related disorder. Also called: ATP7A-related condition.

Allele frequency attached by ClinVar (database versions not stated): TOPMed 0.00017; gnomAD 0.00025.

Submissions (2):

CeGaT Center for Human Genetics Tuebingen
Classification: Likely benign. Last evaluated: 2025-07-01. Review status: criteria provided, single submitter. Criteria: CeGaT Center For Human Genetics Tuebingen Variant Classification Criteria Version 2. Collection method: clinical testing. Allele origin: germline. Affected: yes. Observed: 3 variant alleles.
Comment: COX7B: BS2

PreventionGenetics, part of Exact Sciences
Classification: Likely benign for ATP7A-related condition. Last evaluated: 2021-11-17. Review status: no assertion criteria provided. Collection method: clinical testing. Allele origin: germline. Not counted in ClinVar's aggregate classification.
Comment: This variant is classified as likely benign based on ACMG/AMP sequence variant interpretation guidelines (Richards et al. 2015 PMID: 25741868, with internal and published modifications).